The following is an entry in ClinVar:

ClinVar aggregate classification (germline): Uncertain significance (1 of 4 stars; one submission).

Conditions:
Malignant hyperthermia, susceptibility to, 5 (MHS5). Also called: CACNA1S-Related Malignant Hyperthermia Susceptibility. Identifiers: Orphanet 423, MedGen C1866077, MONDO:0011163, OMIM 601887.

gnomAD v4.1: 3 of 1,614,072 alleles (0.00019%); highest among the groups gnomAD compares: East Asian, 0.0045%; no homozygotes.

Submission:

Color Diagnostics, LLC DBA Color Health
Classification: Uncertain significance for Malignant hyperthermia, susceptibility to, 5. Last evaluated: 2025-10-20. Review status: criteria provided, single submitter. Criteria: ACMG Guidelines, 2015. Collection method: clinical testing. Allele origin: germline.
Comment: This missense variant replaces valine with isoleucine at codon 1089 of the CACNA1S protein. Computational prediction suggests that this variant may not impact protein structure and function. To our knowledge, functional studies have not been reported for this variant. This variant has not been reported in individuals affected with CACNA1S-related disorders in the literature. This variant has been identified in 3/1614072 chromosomes in the general population by the Genome Aggregation Database (gnomAD). The available evidence is insufficient to determine the role of this variant in disease conclusively. Therefore, this variant is classified as a Variant of Uncertain Significance.

NM_000069.3(CACNA1S):c.3265G>A (p.Val1089Ile)

Gene: CACNA1S (calcium voltage-gated channel subunit alpha1 S; minus strand). Cytogenetic location: 1q32.1.
Variant type: single nucleotide variant.
Coding change: c.3265G>A on transcript NM_000069.3 (MANE Select); coding-DNA position 3265, G replaced by A.
Protein change: p.Val1089Ile; replaces valine 1089 with isoleucine.
Molecular consequence: missense variant.
Genome position (GRCh38, 1-based): chr1:201,060,807, C>T on the plus strand (G>A on the coding strand, the complement: CACNA1S is on the minus strand). VCF-style: chr1-201060807-C-T. GRCh37 (hg19) VCF-style: chr1-201029935-C-T.
Other names: short protein forms V1089I.
Identifiers: ClinVar variation 4758229 (VCV004758229.1).